The following is an entry in ClinVar:

NM_001330700.2(TOP2B):c.2717C>T (p.Pro906Leu)

Gene: TOP2B (DNA topoisomerase II beta; minus strand). Cytogenetic location: 3p24.2.
Variant type: single nucleotide variant.
Coding change: c.2717C>T on transcript NM_001330700.2 (MANE Select); coding-DNA position 2717, C replaced by T.
Protein change: p.Pro906Leu; replaces proline 906 with leucine.
Molecular consequence: missense variant.
Genome position (GRCh38, 1-based): chr3:25,623,525, G>A on the plus strand (C>T on the coding strand, the complement: TOP2B is on the minus strand). VCF-style: chr3-25623525-G-A. GRCh37 (hg19) VCF-style: chr3-25665016-G-A.
Other names: c.2702C>T, p.Pro901Leu (NM_001068.3); short protein forms P901L, P906L.
Identifiers: ClinVar variation 3651702 (VCV003651702.2).

ClinVar aggregate classification (germline): Uncertain significance (1 of 4 stars; one submission).

Submission:

Labcorp Genetics (formerly Invitae), Labcorp
Classification: Uncertain significance. Last evaluated: 2024-05-02. Review status: criteria provided, single submitter. Criteria: Invitae Variant Classification Sherloc (09022015). Collection method: clinical testing. Allele origin: germline.
Comment: This sequence change replaces proline, which is neutral and non-polar, with leucine, which is neutral and non-polar, at codon 901 of the TOP2B protein (p.Pro901Leu). This variant is not present in population databases (gnomAD no frequency). This variant has not been reported in the literature in individuals affected with TOP2B-related conditions. An algorithm developed to predict the effect of missense changes on protein structure and function (PolyPhen-2) suggests that this variant is likely to be tolerated. In summary, the available evidence is currently insufficient to determine the role of this variant in disease. Therefore, it has been classified as a Variant of Uncertain Significance.